The following is an entry in ClinVar:

ClinVar aggregate classification (germline): Pathogenic (1 of 4 stars; one submission).

Conditions:
Familial cancer of breast. Also called: Hereditary breast cancer; BREAST CANCER, FAMILIAL; hereditary breast carcinoma. Identifiers: Orphanet 227535, MedGen C0346153, MONDO:0016419, OMIM 114480. Disease mechanism: loss of function.

Submission:

Myriad Genetics, Inc.
Classification: Pathogenic for Familial cancer of breast. Last evaluated: 2025-11-26. Review status: criteria provided, single submitter. Criteria: Myriad Autosomal Dominant, Autosomal Recessive and X-Linked Classification Criteria (2023). Collection method: clinical testing. Allele origin: unknown.
Comment: This variant is considered pathogenic. This variant creates a frameshift predicted to result in premature protein truncation.

NM_000051.4(ATM):c.843_846del (p.Glu281fs)

Gene: ATM (ATM serine/threonine kinase; plus strand). Cytogenetic location: 11q22.3.
Variant type: Deletion.
Coding change: c.843_846del on transcript NM_000051.4 (MANE Select); coding-DNA positions 843 to 846, 4 bases deleted (ATTA; older notation c.843_846delATTA).
Protein change: p.Glu281fs; shifts the reading frame from glutamic acid 281.
Molecular consequence: frameshift variant.
Genome position (GRCh38, 1-based): chr11:108,244,968-108,244,971, ATTA deleted; deleting any 4 consecutive bases within chr11:108,244,967-108,244,971 gives the same sequence; the c. name uses the placement nearest the transcript's 3' end. VCF-style (leftmost placement, unchanged base first): chr11-108244966-GAATT-G. GRCh37 (hg19) VCF-style: chr11-108115693-GAATT-G.
Other names: c.843_846del, p.Glu281fs (NM_001351834.2); short protein forms E281fs.
Identifiers: ClinVar variation 4813003 (VCV004813003.1).